The following is an entry in ClinVar:

NC_000013.10:g.(?_110839465)_(110855974_?)del

Gene: COL4A1 (collagen type IV alpha 1 chain; minus strand). Cytogenetic location: 13q34.
Variant type: Deletion.
Identifiers: ClinVar variation 1411011 (VCV001411011.4).

ClinVar aggregate classification (germline): Pathogenic (1 of 4 stars; one submission).

Submission:

Labcorp Genetics (formerly Invitae), Labcorp
Classification: Pathogenic. Last evaluated: 2021-08-23. Review status: criteria provided, single submitter. Criteria: Invitae Variant Classification Sherloc (09022015). Collection method: clinical testing. Allele origin: germline.
Comment: This variant has not been reported in the literature in individuals affected with COL4A1-related conditions. For these reasons, this variant has been classified as Pathogenic. This variant disrupts the triple helix domain of COL4A1. Glycine residues within the Gly-Xaa-Yaa repeats of the triple helix domain are required for the structure and stability of fibrillar collagens (PMID: 7695699, 8218237, 19344236). In COL4A1 variants affecting these glycine residues are significantly enriched in individuals with disease (PMID: 9016532, 17078022) compared to the general population (ExAC). This variant is a gross deletion of the genomic region encompassing exon(s) 18-25 of the COL4A1 gene. This variant would be expected to be in-frame, preserving the integrity of the reading frame.

Literature cited by the submitters: PubMed 7695699; PubMed 8218237; PubMed 19344236; PubMed 9016532; PubMed 17078022.